The following is an entry in ClinVar:

ClinVar aggregate classification (germline): Uncertain significance. Review status: criteria provided, multiple submitters, no conflicts (2 of 4 stars). 5 submissions from 5 submitters: Uncertain significance (4). 1 of the submissions does not count toward it. Last evaluated 2026-01-16.

Conditions:
Hereditary cancer-predisposing syndrome. Also called: Hereditary neoplastic syndrome; Hereditary Cancer Syndrome; Neoplastic Syndromes, Hereditary; Tumor predisposition. Identifiers: Orphanet 140162, MedGen C0027672, MeSH D009386, MONDO:0015356.
Ataxia-telangiectasia syndrome (AT). Also called: Ataxia-telangiectasia, complementation group D; Cerebello-oculocutaneous telangiectasia; Immunodeficiency with ataxia telangiectasia; ATAXIA-TELANGIECTASIA, COMPLEMENTATION GROUP A; ATAXIA-TELANGIECTASIA, FRESNO VARIANT; LOUIS-BAR SYNDROME. Identifiers: Orphanet 100, MedGen C0004135, MONDO:0008840, OMIM 208900.

Allele frequency attached by ClinVar (database versions not stated): TOPMed 0.00001; gnomAD 0.00003.
gnomAD v4.1: 5 of 1,609,150 alleles (0.00031%); highest among the groups gnomAD compares: Non-Finnish European, 0.00042%; no homozygotes.

Submissions (5):

Labcorp Genetics (formerly Invitae), Labcorp
Classification: Uncertain significance for Ataxia-telangiectasia syndrome. Last evaluated: 2026-01-16. Review status: criteria provided, single submitter. Criteria: Invitae Variant Classification Sherloc (09022015). Collection method: clinical testing. Allele origin: germline.
Comment: This sequence change replaces aspartic acid, which is acidic and polar, with tyrosine, which is neutral and polar, at codon 1099 of the ATM protein (p.Asp1099Tyr). This variant is present in population databases (no rsID available, gnomAD 0.007%). This variant has not been reported in the literature in individuals affected with ATM-related conditions. ClinVar contains an entry for this variant (Variation ID: 421832). Invitae Evidence Modeling of protein sequence and biophysical properties (such as structural, functional, and spatial information, amino acid conservation, physicochemical variation, residue mobility, and thermodynamic stability) indicates that this missense variant is not expected to disrupt ATM protein function with a negative predictive value of 95%. In summary, the available evidence is currently insufficient to determine the role of this variant in disease. Therefore, it has been classified as a Variant of Uncertain Significance.

Ambry Genetics
Classification: Uncertain significance for Hereditary cancer-predisposing syndrome. Last evaluated: 2025-02-14. Review status: criteria provided, single submitter. Criteria: Ambry Variant Classification Scheme 2023. Collection method: clinical testing. Allele origin: germline.
Comment: The p.D1099Y variant (also known as c.3295G>T), located in coding exon 22 of the ATM gene, results from a G to T substitution at nucleotide position 3295. The aspartic acid at codon 1099 is replaced by tyrosine, an amino acid with highly dissimilar properties. This alteration has been reported in at least one breast cancer patient in a study of 13087 breast cancer cases and 5488 control individuals in the UK (Decker B et al. J Med Genet, 2017 11;54:732-741). This amino acid position is not well conserved in available vertebrate species. In addition, this alteration is predicted to be tolerated by in silico analysis. Based on the available evidence, the clinical significance of this variant remains unclear.

GeneDx
Classification: Uncertain significance. Last evaluated: 2021-07-16. Review status: criteria provided, single submitter. Criteria: GeneDx Variant Classification Process June 2021. Collection method: clinical testing. Allele origin: germline. Affected: yes.
Comment: Not observed at significant frequency in large population cohorts (Lek et al., 2016); In silico analysis supports that this missense variant does not alter protein structure/function; Has not been previously published as pathogenic or benign to our knowledge; This variant is associated with the following publications: (PMID: 27535533)

Color Diagnostics, LLC DBA Color Health
Classification: Uncertain significance for Hereditary cancer-predisposing syndrome. Last evaluated: 2019-06-06. Review status: criteria provided, single submitter. Criteria: ACMG Guidelines, 2015. Collection method: clinical testing. Allele origin: germline.

Natera, Inc.
Classification: Uncertain significance for Ataxia-telangiectasia. Last evaluated: 2020-09-16. Review status: no assertion criteria provided. Collection method: clinical testing. Allele origin: germline. Not counted in ClinVar's aggregate classification.

Literature cited by the submitters: PubMed 28779002 (cited by Ambry Genetics).

NM_000051.4(ATM):c.3295G>T (p.Asp1099Tyr)

Gene: ATM (ATM serine/threonine kinase; plus strand). Cytogenetic location: 11q22.3.
Variant type: single nucleotide variant.
Coding change: c.3295G>T on transcript NM_000051.4 (MANE Select); coding-DNA position 3295, G replaced by T.
Protein change: p.Asp1099Tyr; replaces aspartic acid 1099 with tyrosine.
Molecular consequence: missense variant.
Genome position (GRCh38, 1-based): chr11:108,279,501, G>T. VCF-style: chr11-108279501-G-T. GRCh37 (hg19) VCF-style: chr11-108150228-G-T.
Other names: c.3295G>T, p.Asp1099Tyr (NM_001351834.2); short protein forms D1099Y.
Identifiers: ClinVar variation 421832 (VCV000421832.16), dbSNP rs372966951, ClinGen allele CA16619158.